The following is an entry in ClinVar:

NM_017617.5(NOTCH1):c.1125A>G (p.Ala375=)

Gene: NOTCH1 (notch receptor 1; minus strand). Cytogenetic location: 9q34.3.
Variant type: single nucleotide variant.
Coding change: c.1125A>G on transcript NM_017617.5 (MANE Select); coding-DNA position 1125, A replaced by G.
Protein change: p.Ala375=; no amino-acid change (alanine 375 retained).
Molecular consequence: synonymous variant.
Genome position (GRCh38, 1-based): chr9:136,518,267, T>C on the plus strand (A>G on the coding strand, the complement: NOTCH1 is on the minus strand). VCF-style: chr9-136518267-T-C. GRCh37 (hg19) VCF-style: chr9-139412719-T-C.
Other names: c.1125A>G, p.Ala375= (LRG_1122t1); c.1125A>G (NM_017617.4).
Identifiers: ClinVar variation 415383 (VCV000415383.21), dbSNP rs371954544, ClinGen allele CA5341903.

ClinVar aggregate classification (germline): Likely benign. Review status: criteria provided, multiple submitters, no conflicts (2 of 4 stars). 8 submissions from 7 submitters: Likely benign (7). 1 of the submissions does not count toward it. Last evaluated 2026-01-01.

Conditions:
NOTCH1-related disorder. Also called: NOTCH1-related condition; NOTCH1-related disorders.
Adams-Oliver syndrome 5 (AOS5). Identifiers: Orphanet 974, MedGen C4014970, MONDO:0014459, OMIM 616028.
Familial thoracic aortic aneurysm and aortic dissection (TAAD). Also called: Thoracic aortic aneurysms and dissections. Identifiers: Orphanet 91387, MedGen C4707243, MONDO:0019625.
Aortic valve disease 1 (AOVD1). Identifiers: MedGen C3887892, MONDO:0024523, OMIM 109730.

Allele frequency attached by ClinVar (database versions not stated): ExAC 0.00001; TOPMed 0.00003; gnomAD 0.00005; ESP Exome Variant Server 0.00008.
gnomAD v4.1: 18 of 1,611,096 alleles (0.0011%); highest among the groups gnomAD compares: Admixed American, 0.0017%; no homozygotes.

Submissions (8):

CeGaT Center for Human Genetics Tuebingen
Classification: Likely benign. Last evaluated: 2026-01-01. Review status: criteria provided, single submitter. Criteria: CeGaT Center For Human Genetics Tuebingen Variant Classification Criteria Version 2. Collection method: clinical testing. Allele origin: germline. Affected: yes. Observed: 1 variant allele.
Comment: NOTCH1: BP4, BP7

Labcorp Genetics (formerly Invitae), Labcorp
Classification: Likely benign for Adams-Oliver syndrome 5. Last evaluated: 2025-12-22. Review status: criteria provided, single submitter. Criteria: Invitae Variant Classification Sherloc (09022015). Collection method: clinical testing. Allele origin: germline.

Genome-Nilou Lab
Classification: Likely benign for Adams-Oliver syndrome 5. Last evaluated: 2022-03-15. Review status: criteria provided, single submitter. Criteria: ACMG Guidelines, 2015. Collection method: clinical testing. Allele origin: germline. Affected: no.

Genome-Nilou Lab
Classification: Likely benign for Aortic valve disease 1. Last evaluated: 2022-03-15. Review status: criteria provided, single submitter. Criteria: ACMG Guidelines, 2015. Collection method: clinical testing. Allele origin: germline. Affected: no.

Ambry Genetics
Classification: Likely benign for Familial thoracic aortic aneurysm and aortic dissection. Last evaluated: 2021-10-22. Review status: criteria provided, single submitter. Criteria: Ambry Variant Classification Scheme 2023. Collection method: clinical testing. Allele origin: germline.

GeneDx
Classification: Likely benign. Last evaluated: 2021-02-02. Review status: criteria provided, single submitter. Criteria: GeneDx Variant Classification Process June 2021. Collection method: clinical testing. Allele origin: germline. Affected: yes.

CHEO Genetics Diagnostic Laboratory, Children's Hospital of Eastern Ontario
Classification: Likely benign for Familial thoracic aortic aneurysm and aortic dissection. Last evaluated: 2020-01-27. Review status: criteria provided, single submitter. Criteria: ACMG Guidelines, 2015. Collection method: clinical testing. Allele origin: germline.

PreventionGenetics, part of Exact Sciences
Classification: Likely benign for NOTCH1-related condition. Last evaluated: 2021-10-27. Review status: no assertion criteria provided. Collection method: clinical testing. Allele origin: germline. Not counted in ClinVar's aggregate classification.
Comment: This variant is classified as likely benign based on ACMG/AMP sequence variant interpretation guidelines (Richards et al. 2015 PMID: 25741868, with internal and published modifications).